The following is an entry in ClinVar:

ClinVar aggregate classification (germline): Uncertain significance (1 of 4 stars; one submission).

Conditions:
Acromicric dysplasia (ACMICD). Also called: Acromicric skeletal dysplasia. Identifiers: Orphanet 969, MedGen C0265287, MONDO:0007055, OMIM 102370.

Submission:

3billion
Classification: Uncertain significance for Acromicric dysplasia. Last evaluated: 2025-02-25. Review status: criteria provided, single submitter. Criteria: ACMG Guidelines, 2015. Collection method: clinical testing. Allele origin: germline. Affected: yes.
Comment: The variant is not observed in the gnomAD v4.1.0 dataset. Predicted Consequence/Location: Missense variant In silico tool predictions suggest damaging effect of the variant on gene or gene product [REVEL: 0.71 (>=0.6, sensitivity 0.68 and specificity 0.92)]. A different missense change at the same codon (p.Asp1758Val) has been reported to be associated with FBN1-related disorder (PMID: 21683322). Therefore, this variant is classified as VUS according to the recommendation of ACMG/AMP guideline.

Literature cited by the submitters: PubMed 21683322.

NM_000138.5(FBN1):c.5273A>C (p.Asp1758Ala)

Gene: FBN1 (fibrillin 1; minus strand). Cytogenetic location: 15q21.1.
Variant type: single nucleotide variant.
Coding change: c.5273A>C on transcript NM_000138.5 (MANE Select); coding-DNA position 5273, A replaced by C.
Protein change: p.Asp1758Ala; replaces aspartic acid 1758 with alanine.
Molecular consequence: missense variant.
Genome position (GRCh38, 1-based): chr15:48,460,269, T>G on the plus strand (A>C on the coding strand, the complement: FBN1 is on the minus strand). VCF-style: chr15-48460269-T-G. GRCh37 (hg19) VCF-style: chr15-48752466-T-G.
Other names: c.5273A>C, p.Asp1758Ala (NM_001406716.1); short protein forms D1758A.
Identifiers: ClinVar variation 4292903 (VCV004292903.1).